The following is an entry in ClinVar:

ClinVar aggregate classification (germline): Uncertain significance (1 of 4 stars; one submission).

Conditions:
Neuropathy, hereditary sensory and autonomic, type 2A (HSAN2A). Also called: WNK1-Related HSAN2 (HSAN2A); ACROOSTEOLYSIS, GIACCAI TYPE; ACROOSTEOLYSIS, NEUROGENIC; MORVAN DISEASE; NEUROPATHY, CONGENITAL SENSORY; NEUROPATHY, HEREDITARY SENSORY RADICULAR, AUTOSOMAL RECESSIVE. Identifiers: Orphanet 970, MedGen C2752089, MONDO:0024309, OMIM 201300.
Pseudohypoaldosteronism type 2C (PHA2C). Also called: Pseudohypoaldosteronism Type IIC. Identifiers: Orphanet 757, Orphanet 88940, MedGen C1840391, MONDO:0013778, OMIM 614492.

Submission:

Labcorp Genetics (formerly Invitae), Labcorp
Classification: Uncertain significance for Neuropathy, hereditary sensory and autonomic, type 2A; Pseudohypoaldosteronism type 2C. Last evaluated: 2025-03-16. Review status: criteria provided, single submitter. Criteria: Invitae Variant Classification Sherloc (09022015). Collection method: clinical testing. Allele origin: germline.
Comment: This sequence change replaces serine, which is neutral and polar, with phenylalanine, which is neutral and non-polar, at codon 651 of the WNK1 protein (p.Ser651Phe). This variant is not present in population databases (gnomAD no frequency). This variant has not been reported in the literature in individuals affected with WNK1-related conditions. Experimental studies and prediction algorithms are not available or were not evaluated, and the functional significance of this variant is currently unknown. In summary, the available evidence is currently insufficient to determine the role of this variant in disease. Therefore, it has been classified as a Variant of Uncertain Significance.

NM_018979.4(WNK1):c.1952C>T (p.Ser651Phe)

Gene: WNK1 (WNK lysine deficient protein kinase 1; plus strand). Cytogenetic location: 12p13.33.
Variant type: single nucleotide variant.
Coding change: c.1952C>T on transcript NM_018979.4 (MANE Select); coding-DNA position 1952, C replaced by T.
Protein change: p.Ser651Phe; replaces serine 651 with phenylalanine.
Molecular consequence: missense variant.
Genome position (GRCh38, 1-based): chr12:862,083, C>T. VCF-style: chr12-862083-C-T. GRCh37 (hg19) VCF-style: chr12-971249-C-T.
Other names: c.1952C>T, p.Ser651Phe (NM_001184985.2, NM_014823.3, NM_213655.5); short protein forms S651F.
Identifiers: ClinVar variation 4784444 (VCV004784444.1).